The following is an entry in ClinVar:

ClinVar aggregate classification (germline): Uncertain significance (1 of 4 stars; one submission).

Allele frequency attached by ClinVar (database versions not stated): gnomAD 0.00001.
gnomAD v4.1: 37 of 1,527,844 alleles (0.0024%); highest among the groups gnomAD compares: Non-Finnish European, 0.0032%; no homozygotes.

Submission:

Labcorp Genetics (formerly Invitae), Labcorp
Classification: Uncertain significance. Last evaluated: 2022-04-29. Review status: criteria provided, single submitter. Criteria: Invitae Variant Classification Sherloc (09022015). Collection method: clinical testing. Allele origin: germline.
Comment: The frequency data for this variant in the population databases is considered unreliable, as metrics indicate poor data quality at this position in the gnomAD database. In summary, the available evidence is currently insufficient to determine the role of this variant in disease. Therefore, it has been classified as a Variant of Uncertain Significance. Experimental studies and prediction algorithms are not available or were not evaluated, and the functional significance of this variant is currently unknown. This variant has not been reported in the literature in individuals affected with COL18A1-related conditions. This sequence change replaces proline, which is neutral and non-polar, with serine, which is neutral and polar, at codon 1122 of the COL18A1 protein (p.Pro1122Ser).

NM_001379500.1(COL18A1):c.3373C>T (p.Pro1125Ser)

Genes: COL18A1 (collagen type XVIII alpha 1 chain; plus strand), SLC19A1 (solute carrier family 19 member 1; minus strand). Cytogenetic location: 21q22.3.
Variant type: single nucleotide variant.
Coding change: c.3373C>T on transcript NM_001379500.1 (MANE Select); coding-DNA position 3373, C replaced by T.
Protein change: p.Pro1125Ser; replaces proline 1125 with serine.
Molecular consequence: missense variant.
Genome position (GRCh38, 1-based): chr21:45,509,479, C>T. VCF-style: chr21-45509479-C-T. GRCh37 (hg19) VCF-style: chr21-46929393-C-T.
Other names: c.3904C>T, p.Pro1302Ser (NM_030582.4); c.4609C>T, p.Pro1537Ser (NM_130444.3); short protein forms P1302S, P1537S, P1125S.
Identifiers: ClinVar variation 2068664 (VCV002068664.4), dbSNP rs764732885, ClinGen allele CA321923451.